The following is an entry in ClinVar:

NM_005845.5(ABCC4):c.1645G>T (p.Val549Leu)

Gene: ABCC4 (ATP binding cassette subfamily C member 4 (PEL blood group); minus strand). Cytogenetic location: 13q32.1.
Variant type: single nucleotide variant.
Coding change: c.1645G>T on transcript NM_005845.5 (MANE Select); coding-DNA position 1645, G replaced by T.
Protein change: p.Val549Leu; replaces valine 549 with leucine.
Molecular consequence: missense variant.
Genome position (GRCh38, 1-based): chr13:95,177,789, C>A on the plus strand (G>T on the coding strand, the complement: ABCC4 is on the minus strand). VCF-style: chr13-95177789-C-A. GRCh37 (hg19) VCF-style: chr13-95830043-C-A.
Other names: c.1645G>T, p.Val549Leu (NM_001105515.3, NM_001301829.2); c.1420G>T, p.Val474Leu (NM_001301830.2); short protein forms V549L, V474L.
Identifiers: ClinVar variation 161513 (VCV000161513.2), dbSNP rs193921134, ClinGen allele CA174177.

ClinVar aggregate classification (germline): Uncertain significance (0 of 4 stars; one submission).

Conditions:
Prostate cancer. Also called: Malignant tumor of prostate. Identifiers: Orphanet 1331, MedGen C0376358, MONDO:0008315, HP:0012125.

Submission:

Science for Life laboratory,  Karolinska Institutet
Classification: Uncertain significance for Malignant tumor of prostate. Review status: no assertion criteria provided. Collection method: not provided. Allele origin: somatic.
Comment: TumorID:SWE-92B
ClinVar note: Converted during submission from Unknown to Uncertain significance.